The following is an entry in ClinVar:

ClinVar aggregate classification (germline): Uncertain significance (1 of 4 stars; one submission).

Allele frequency attached by ClinVar (database versions not stated): gnomAD 0.00002; gnomAD exomes 0.00003; TOPMed 0.00003; ExAC 0.00007; ESP Exome Variant Server 0.00023.
gnomAD v4.1: 52 of 1,614,054 alleles (0.0032%); highest among the groups gnomAD compares: South Asian, 0.02%; no homozygotes.

Submission:

Women's Health and Genetics/Laboratory Corporation of America, LabCorp
Classification: Uncertain significance. Last evaluated: 2024-04-15. Review status: criteria provided, single submitter. Criteria: LabCorp Variant Classification Summary - May 2015. Collection method: clinical testing. Allele origin: germline.
Comment: Variant summary: SQSTM1 c.*986C>T is located in the untranslated mRNA region downstream of the termination codon. It is also located in the coding region of MRNIP NM_016175.4 (c.844G>A, p.A282TThe), however the gene-disease association of MRNIP has not been established. The variant allele was found at a frequency of 6.8e-05 in 248900 control chromosomes. To our knowledge, no occurrence of c.*986C>T in individuals affected with SQSTM1-Related Disorders and no experimental evidence demonstrating its impact on protein function have been reported. No submitters have cited clinical-significance assessments for this variant to ClinVar. Based on the evidence outlined above, the variant was classified as uncertain significance.

NM_003900.5(SQSTM1):c.*986C>T

Genes: MRNIP (MRN complex interacting protein; minus strand), SQSTM1 (sequestosome 1; plus strand). Cytogenetic location: 5q35.3.
Variant type: single nucleotide variant.
Coding change: c.*986C>T on transcript NM_003900.5 (MANE Select); 986 bases downstream of the stop codon, C replaced by T.
Molecular consequence: 3 prime UTR variant. On other transcripts: missense variant (2).
Genome position (GRCh38, 1-based): chr5:179,837,579, C>T. VCF-style: chr5-179837579-C-T. GRCh37 (hg19) VCF-style: chr5-179264579-C-T.
Other names: c.679G>A, p.Ala227Thr (NM_001017987.3); c.844G>A, p.Ala282Thr (NM_016175.4); c.*986C>T (NM_001142298.2, NM_001142299.2); short protein forms A227T, A282T.
Identifiers: ClinVar variation 3251275 (VCV003251275.1), dbSNP rs370481237.